The following is an entry in ClinVar:

ClinVar aggregate classification (germline): Uncertain significance (1 of 4 stars; one submission).

Allele frequency attached by ClinVar (database versions not stated): gnomAD exomes below 0.00001; gnomAD 0.00003; TOPMed 0.00007.

Submission:

Labcorp Genetics (formerly Invitae), Labcorp
Classification: Uncertain significance. Last evaluated: 2024-04-25. Review status: criteria provided, single submitter. Criteria: Invitae Variant Classification Sherloc (09022015). Collection method: clinical testing. Allele origin: germline.
Comment: This sequence change affects codon 34 of the CNGA3 mRNA. It is a 'silent' change, meaning that it does not change the encoded amino acid sequence of the CNGA3 protein. It affects a nucleotide within the consensus splice site. This variant is present in population databases (no rsID available, gnomAD 0.008%). This variant has not been reported in the literature in individuals affected with CNGA3-related conditions. ClinVar contains an entry for this variant (Variation ID: 1411477). Algorithms developed to predict the effect of sequence changes on RNA splicing suggest that this variant is not likely to affect RNA splicing. In summary, the available evidence is currently insufficient to determine the role of this variant in disease. Therefore, it has been classified as a Variant of Uncertain Significance.

NM_001298.3(CNGA3):c.102A>G (p.Arg34=)

Gene: CNGA3 (cyclic nucleotide gated channel subunit alpha 3; plus strand). Cytogenetic location: 2q11.2.
Variant type: single nucleotide variant.
Coding change: c.102A>G on transcript NM_001298.3 (MANE Select); coding-DNA position 102, A replaced by G.
Protein change: p.Arg34=; no amino-acid change (arginine 34 retained).
Molecular consequence: synonymous variant.
Genome position (GRCh38, 1-based): chr2:98,377,687, A>G. VCF-style: chr2-98377687-A-G. GRCh37 (hg19) VCF-style: chr2-98994150-A-G.
Other names: c.102A>G, p.Arg34= (NM_001079878.2).
Identifiers: ClinVar variation 1411477 (VCV001411477.8), dbSNP rs909815558, ClinGen allele CA52620703.